The following is an entry in ClinVar:

ClinVar aggregate classification (germline): Uncertain significance (1 of 4 stars; one submission).

Conditions:
Developmental and epileptic encephalopathy, 46 (DEE46). Also called: Epileptic encephalopathy, early infantile, 46; GRIN2D-Related Developmental and Epileptic Encephalopathy. Identifiers: MedGen C4310687, MONDO:0014947, OMIM 617162.

Allele frequency attached by ClinVar (database versions not stated): gnomAD 0.00001; gnomAD exomes 0.00001; TOPMed 0.00001.
gnomAD v4.1: 13 of 1,537,194 alleles (0.00085%); highest among the groups gnomAD compares: Non-Finnish European, 0.0011%; no homozygotes.

Submission:

Baylor Genetics
Classification: Uncertain significance for Developmental and epileptic encephalopathy, 46. Last evaluated: 2018-04-27. Review status: criteria provided, single submitter. Criteria: ACMG Guidelines, 2015. Collection method: clinical testing. Allele origin: paternal. Affected: yes.
Comment: This variant was determined to be of uncertain significance according to ACMG Guidelines, 2015 [PMID:25741868].

NM_000836.4(GRIN2D):c.1085+13G>A

Gene: GRIN2D (glutamate ionotropic receptor NMDA type subunit 2D; plus strand). Cytogenetic location: 19q13.33.
Variant type: single nucleotide variant.
Coding change: c.1085+13G>A on transcript NM_000836.4 (MANE Select); 13 bases into the intron after coding-DNA position 1085, G replaced by A.
Molecular consequence: intron variant.
Genome position (GRCh38, 1-based): chr19:48,405,366, G>A. VCF-style: chr19-48405366-G-A. GRCh37 (hg19) VCF-style: chr19-48908623-G-A.
Identifiers: ClinVar variation 1031669 (VCV001031669.1), dbSNP rs956727278, ClinGen allele CA309331902.
Genomic context (GRCh38, chr19:48,405,366, plus strand): 5'-CGACTGTCGCGCCCAGAACCGCACCCACCGCGGCGAGAGTCTGCATAGGTGAGTGGGGCT[G>A]GAATGGGAGGGGTGTGGGAGGGCTCCCAGAGCCTAACTACCTCAGTATTCACTGAATGAG-3'